The following is an entry in ClinVar:

NM_001005273.3(CHD3):c.694_696del (p.Thr232del)

Gene: CHD3 (chromodomain helicase DNA binding protein 3; plus strand). Cytogenetic location: 17p13.1.
Variant type: Deletion.
Coding change: c.694_696del on transcript NM_001005273.3 (MANE Select); coding-DNA positions 694 to 696, 3 bases deleted (ACC; older notation c.694_696delACC).
Protein change: p.Thr232del; deletes threonine 232.
Genome position (GRCh38, 1-based): chr17:7,893,470-7,893,472, ACC deleted; deleting any 3 consecutive bases within chr17:7,893,468-7,893,472 gives the same sequence; the c. name uses the placement nearest the transcript's 3' end. VCF-style (leftmost placement, unchanged base first): chr17-7893467-GCCA-G. GRCh37 (hg19) VCF-style: chr17-7796785-GCCA-G.
Other names: c.871_873del, p.Thr291del (NM_001005271.3); c.694_696del, p.Thr232del (NM_005852.4); short protein forms T232del, T291del.
Identifiers: ClinVar variation 3767418 (VCV003767418.1).

ClinVar aggregate classification (germline): Uncertain significance (1 of 4 stars; one submission).

Submission:

GeneDx
Classification: Uncertain significance. Last evaluated: 2024-09-09. Review status: criteria provided, single submitter. Criteria: GeneDx Variant Classification Process June 2021. Collection method: clinical testing. Allele origin: germline. Affected: yes.
Comment: Not observed at significant frequency in large population cohorts (gnomAD); In-frame deletion of 1 amino acid in a non-repeat region; In silico analysis supports a deleterious effect on protein structure/function; Has not been previously published as pathogenic or benign to our knowledge